The following is an entry in ClinVar:

NM_144666.3(DNHD1):c.197G>A (p.Arg66Gln)

Gene: DNHD1 (dynein heavy chain domain 1; plus strand). Cytogenetic location: 11p15.4.
Variant type: single nucleotide variant.
Coding change: c.197G>A on transcript NM_144666.3 (MANE Select); coding-DNA position 197, G replaced by A.
Protein change: p.Arg66Gln; replaces arginine 66 with glutamine.
Molecular consequence: missense variant.
Genome position (GRCh38, 1-based): chr11:6,498,412, G>A. VCF-style: chr11-6498412-G-A. GRCh37 (hg19) VCF-style: chr11-6519642-G-A.
Other names: c.197G>A, p.Arg66Gln (NM_173589.4); short protein forms R66Q.
Identifiers: ClinVar variation 3059428 (VCV003059428.2), dbSNP rs11604149, ClinGen allele CA5855287.

ClinVar aggregate classification (germline): Benign (0 of 4 stars; one submission).

Conditions:
DNHD1-related disorder. Also called: DNHD1-related condition.

Allele frequency attached by ClinVar (database versions not stated): 1000 Genomes Project 0.38059; 1000 Genomes Project 30x 0.38117; TOPMed 0.44316; gnomAD 0.44529; ExAC 0.46136; ESP Exome Variant Server 0.46406; gnomAD exomes 0.49357.
gnomAD v4.1: 787,694 of 1,613,920 alleles (49%); highest among the groups gnomAD compares: Non-Finnish European, 52%; 196,700 homozygotes.

Submission:

PreventionGenetics, part of Exact Sciences
Classification: Benign for DNHD1-related condition. Last evaluated: 2019-10-21. Review status: no assertion criteria provided. Collection method: clinical testing. Allele origin: germline.
Comment: This variant is classified as benign based on ACMG/AMP sequence variant interpretation guidelines (Richards et al. 2015 PMID: 25741868, with internal and published modifications).